The following is an entry in ClinVar:

ClinVar aggregate classification (germline): Uncertain significance (1 of 4 stars; one submission).

Conditions:
Spastic paraplegia. Identifiers: MedGen C0037772, HP:0001258.

Allele frequency attached by ClinVar (database versions not stated): gnomAD 0.00001; gnomAD exomes 0.00001; ExAC 0.00003; ESP Exome Variant Server 0.00008.
gnomAD v4.1: 13 of 1,611,772 alleles (0.00081%); highest among the groups gnomAD compares: East Asian, 0.0022%; no homozygotes.

Submission:

Labcorp Genetics (formerly Invitae), Labcorp
Classification: Uncertain significance for Spastic paraplegia. Last evaluated: 2022-11-06. Review status: criteria provided, single submitter. Criteria: Invitae Variant Classification Sherloc (09022015). Collection method: clinical testing. Allele origin: germline.
Comment: In summary, the available evidence is currently insufficient to determine the role of this variant in disease. Therefore, it has been classified as a Variant of Uncertain Significance. Algorithms developed to predict the effect of missense changes on protein structure and function (SIFT, PolyPhen-2, Align-GVGD) all suggest that this variant is likely to be disruptive. This variant has not been reported in the literature in individuals affected with GJC2-related conditions. This variant is present in population databases (rs373522338, gnomAD 0.003%). This sequence change replaces isoleucine, which is neutral and non-polar, with threonine, which is neutral and polar, at codon 84 of the GJC2 protein (p.Ile84Thr).

NM_020435.4(GJC2):c.251T>C (p.Ile84Thr)

Gene: GJC2 (gap junction protein gamma 2; plus strand). Cytogenetic location: 1q42.13.
Variant type: single nucleotide variant.
Coding change: c.251T>C on transcript NM_020435.4 (MANE Select); coding-DNA position 251, T replaced by C.
Protein change: p.Ile84Thr; replaces isoleucine 84 with threonine.
Molecular consequence: missense variant.
Genome position (GRCh38, 1-based): chr1:228,158,009, T>C. VCF-style: chr1-228158009-T-C. GRCh37 (hg19) VCF-style: chr1-228345710-T-C.
Other names: short protein forms I84T.
Identifiers: ClinVar variation 2725183 (VCV002725183.3), dbSNP rs373522338, ClinGen allele CA1430824.